The following is an entry in ClinVar:

NM_000321.3(RB1):c.1459T>C (p.Leu487=)

Gene: RB1 (RB transcriptional corepressor 1; plus strand). Cytogenetic location: 13q14.2.
Variant type: single nucleotide variant.
Coding change: c.1459T>C on transcript NM_000321.3 (MANE Select); coding-DNA position 1459, T replaced by C.
Protein change: p.Leu487=; no amino-acid change (leucine 487 retained).
Molecular consequence: synonymous variant.
Genome position (GRCh38, 1-based): chr13:48,380,202, T>C. VCF-style: chr13-48380202-T-C. GRCh37 (hg19) VCF-style: chr13-48954338-T-C.
Identifiers: ClinVar variation 1564139 (VCV001564139.11), dbSNP rs1269949158, ClinGen allele CA483559285.

ClinVar aggregate classification (germline): Benign/Likely benign. Review status: criteria provided, multiple submitters, no conflicts (2 of 4 stars). 3 submissions from 3 submitters: Benign (1); Likely benign (2). Last evaluated 2026-06-24.

Conditions:
Hereditary cancer-predisposing syndrome. Also called: Neoplastic Syndromes, Hereditary; Tumor predisposition; Hereditary Cancer Syndrome; Hereditary neoplastic syndrome. Identifiers: Orphanet 140162, MedGen C0027672, MeSH D009386, MONDO:0015356.
Retinoblastoma (RB1). Also called: RETINOBLASTOMA, SOMATIC. Identifiers: Orphanet 790, MedGen C0035335, MeSH D012175, MONDO:0008380, OMIM 180200, HP:0009919. Disease mechanism: loss of function. Inheritance: Both sporadic and heritable forms are tested..

Allele frequency attached by ClinVar (database versions not stated): TOPMed below 0.00001; gnomAD 0.00001; gnomAD exomes below 0.00001.
gnomAD v4.1: 3 of 1,606,008 alleles (0.00019%); highest among the groups gnomAD compares: Admixed American, 0.0033%; no homozygotes.

Submissions (3):

Myriad Genetics, Inc.
Classification: Benign for Retinoblastoma. Last evaluated: 2026-06-24. Review status: criteria provided, single submitter. Criteria: Myriad Autosomal Dominant, Autosomal Recessive and X-Linked Classification Criteria (2023). Collection method: clinical testing. Allele origin: unknown.
Comment: This variant is considered benign. This variant is a silent/synonymous amino acid change and it is not expected to impact splicing.

Labcorp Genetics (formerly Invitae), Labcorp
Classification: Likely benign for Retinoblastoma. Last evaluated: 2025-09-15. Review status: criteria provided, single submitter. Criteria: Invitae Variant Classification Sherloc (09022015). Collection method: clinical testing. Allele origin: germline.

Ambry Genetics
Classification: Likely benign for Hereditary cancer-predisposing syndrome. Last evaluated: 2019-10-26. Review status: criteria provided, single submitter. Criteria: Ambry Variant Classification Scheme 2023. Collection method: clinical testing. Allele origin: germline.